The following is an entry in ClinVar:

ClinVar aggregate classification (germline): Uncertain significance (1 of 4 stars; one submission).

Conditions:
Complex cortical dysplasia with other brain malformations 1. Identifiers: Orphanet 300570, MedGen C3808397, MONDO:0013541, OMIM 614039.

Submission:

3billion
Classification: Uncertain significance for Complex cortical dysplasia with other brain malformations 1. Last evaluated: 2024-09-20. Review status: criteria provided, single submitter. Criteria: ACMG Guidelines, 2015. Collection method: clinical testing. Allele origin: germline. Affected: yes.
Comment: The variant is not observed in the gnomAD v4.0.0 dataset. Predicted Consequence/Location: Missense variant. Missense changes are a common disease-causing mechanism. In silico tool predictions suggest damaging effect of the variant on gene or gene product [REVEL: 0.90 (>=0.6, sensitivity 0.68 and specificity 0.92); 3Cnet: 0.88 (>=0.6, sensitivity 0.72 and precision 0.9)]. Therefore, this variant is classified as VUS according to the recommendation of ACMG/AMP guideline.

NM_006086.4(TUBB3):c.1151A>C (p.Gln384Pro)

Gene: TUBB3 (tubulin beta 3 class III; plus strand). Cytogenetic location: 16q24.3.
Variant type: single nucleotide variant.
Coding change: c.1151A>C on transcript NM_006086.4 (MANE Select); coding-DNA position 1151, A replaced by C.
Protein change: p.Gln384Pro; replaces glutamine 384 with proline.
Molecular consequence: missense variant.
Genome position (GRCh38, 1-based): chr16:89,935,602, A>C. VCF-style: chr16-89935602-A-C. GRCh37 (hg19) VCF-style: chr16-90002010-A-C.
Other names: c.935A>C, p.Gln312Pro (NM_001197181.2); short protein forms Q312P, Q384P.
Identifiers: ClinVar variation 4292710 (VCV004292710.1).